The following is an entry in ClinVar:

NM_013275.6(ANKRD11):c.744+18C>G

Gene: ANKRD11 (ankyrin repeat domain 11; minus strand). Cytogenetic location: 16q24.3.
Variant type: single nucleotide variant.
Coding change: c.744+18C>G on transcript NM_013275.6 (MANE Select); 18 bases into the intron after coding-DNA position 744, C replaced by G.
Molecular consequence: intron variant.
Genome position (GRCh38, 1-based): chr16:89,288,510, G>C on the plus strand (C>G on the coding strand, the complement: ANKRD11 is on the minus strand). VCF-style: chr16-89288510-G-C. GRCh37 (hg19) VCF-style: chr16-89354918-G-C.
Other names: c.744+18C>G (NM_001256183.2, NM_001256182.2).
Identifiers: ClinVar variation 445449 (VCV000445449.40), dbSNP rs147328392, ClinGen allele CA8242994.
Genomic context (GRCh38, chr16:89,288,510, plus strand): 5'-AGCTACGGGGAAACAAAGCTACAGAACCACCCAGATGCCAGGACAGGCCGGATGTGTGAA[G>C]AACGGGGGGATGCCAACCTTGTAGTGCCCGTTGTTGGCAGCGTCGTGCAAAGGCGTGTCG-3'

ClinVar aggregate classification (germline): Benign/Likely benign. Review status: criteria provided, multiple submitters, no conflicts (2 of 4 stars). 7 submissions from 7 submitters: Benign (4); Likely benign (3). Last evaluated 2026-03-01.

Conditions:
KBG syndrome (KBGS). Also called: ANKRD11-Related KBG Syndrome. Identifiers: Orphanet 2332, MedGen C0220687, MONDO:0007846, OMIM 148050.

Allele frequency attached by ClinVar (database versions not stated): 1000 Genomes Project 30x 0.00094; 1000 Genomes Project 0.00120; TOPMed 0.00373; ExAC 0.00392; gnomAD 0.00425 and 0.00441; ESP Exome Variant Server 0.00516.

Submissions (7):

CeGaT Center for Human Genetics Tuebingen
Classification: Benign. Last evaluated: 2026-03-01. Review status: criteria provided, single submitter. Criteria: CeGaT Center For Human Genetics Tuebingen Variant Classification Criteria Version 2. Collection method: clinical testing. Allele origin: germline. Affected: yes. Observed: 38 variant alleles.
Comment: ANKRD11: BS1, BS2

Labcorp Genetics (formerly Invitae), Labcorp
Classification: Benign for KBG syndrome. Last evaluated: 2026-02-03. Review status: criteria provided, single submitter. Criteria: Invitae Variant Classification Sherloc (09022015). Collection method: clinical testing. Allele origin: germline.

Fulgent Genetics
Classification: Likely benign for KBG syndrome. Last evaluated: 2022-05-16. Review status: criteria provided, single submitter. Criteria: ACMG Guidelines, 2015. Collection method: clinical testing. Allele origin: unknown.

Genome-Nilou Lab
Classification: Benign for KBG syndrome. Last evaluated: 2021-12-05. Review status: criteria provided, single submitter. Criteria: ACMG Guidelines, 2015. Collection method: clinical testing. Allele origin: germline. Affected: no.

GeneDx
Classification: Likely benign. Last evaluated: 2018-02-02. Review status: criteria provided, single submitter. Criteria: GeneDx Variant Classification (06012015). Collection method: clinical testing. Allele origin: germline. Affected: yes.
Comment: This variant is considered likely benign or benign based on one or more of the following criteria: it is a conservative change, it occurs at a poorly conserved position in the protein, it is predicted to be benign by multiple in silico algorithms, and/or has population frequency not consistent with disease.

Center for Pediatric Genomic Medicine, Children's Mercy Hospital and Clinics
Classification: Benign. Last evaluated: 2017-09-27. Review status: criteria provided, single submitter. Criteria: ACMG Guidelines, 2015. Collection method: clinical testing. Allele origin: germline.

Breakthrough Genomics
Classification: Likely benign. Review status: criteria provided, single submitter. Criteria: ACMG Guidelines, 2015. Collection method: not provided. Allele origin: germline. Inheritance: Autosomal dominant inheritance. Affected: yes.